The following is an entry in ClinVar:

ClinVar aggregate classification (germline): Pathogenic (1 of 4 stars; one submission).

Conditions:
Mucopolysaccharidosis, MPS-IV-A (MPS4A). Also called: MORQUIO SYNDROME A; GALACTOSAMINE-6-SULFATASE DEFICIENCY; GALNS DEFICIENCY; MORQUIO A DISEASE; MPS IVA; Mucopolysaccharidosis type IV A. Identifiers: Orphanet 309297, Orphanet 582, MedGen C0086651, MONDO:0009659, OMIM 253000.

Submission:

Department of Genetics and Endocrinology, Guangzhou Women and Children’s Medical Center
Classification: Pathogenic for Mucopolysaccharidosis, MPS-IV-A. Last evaluated: 2026-08-20. Review status: criteria provided, single submitter. Criteria: ACMG Guidelines, 2015. Collection method: clinical testing. Allele origin: germline. Affected: yes.
Comment: PVS1: frameshift duplication (p.A464Gfs*39) in domain 2, predicted to result in NMD or protein truncation; PM2: absent from population databases (gnomAD); PP4: patient phenotype is highly specific for MPS IVA.

NM_000512.5(GALNS):c.1390dup (p.Ala464fs)

Genes: GALNS (galactosamine (N-acetyl)-6-sulfatase; minus strand), LOC126862447 (CDK7 strongly-dependent group 2 enhancer GRCh37_chr16:88884193-88885392; plus strand). Cytogenetic location: 16q24.3.
Variant type: Duplication.
Coding change: c.1390dup on transcript NM_000512.5 (MANE Select); coding-DNA position 1390, one base duplicated (G; older notation c.1390dupG).
Protein change: p.Ala464fs; shifts the reading frame from alanine 464.
Molecular consequence: frameshift variant.
Genome position (GRCh38, 1-based): chr16:88,818,099, C duplicated on the plus strand (G on the coding strand, the reverse complement: GALNS is on the minus strand); the first of 2 consecutive C bases (chr16:88,818,099-88,818,100); duplicating either gives the same sequence. VCF-style (leftmost placement, unchanged base first): chr16-88818098-G-GC. GRCh37 (hg19) VCF-style: chr16-88884506-G-GC.
Other names: c.835dup, p.Ala279fs (NM_001323543.2); c.1408dup, p.Ala470fs (NM_001323544.2); c.1390dupG (NM_000512.5); short protein forms A279fs, A464fs, A470fs.
Identifiers: ClinVar variation 4887003 (VCV004887003.1).